The following is an entry in ClinVar:

ClinVar aggregate classification (germline): Uncertain significance. Review status: criteria provided, multiple submitters, no conflicts (2 of 4 stars). 3 submissions from 3 submitters: Uncertain significance (3). Last evaluated 2022-01-07.

Conditions:
Fanconi renotubular syndrome 4 with maturity-onset diabetes of the young (FRTS4). Also called: FRTS4 WITH MODY. Identifiers: Orphanet 93111, MedGen C4014962, MONDO:0014458, OMIM 616026.
Maturity-onset diabetes of the young type 1. Also called: MILD JUVENILE DIABETES MELLITUS; HNF4A-Related Maturity-Onset Diabetes of the Young Type 1; MODY type 1; Diabetes mellitus MODY type 1; MODY HNF4A related; MODY, type I. Identifiers: Orphanet 552, MedGen C1852093, MONDO:0007452, OMIM 125850. Disease mechanism: loss of function.
Type 2 diabetes mellitus. Also called: Type II diabetes mellitus. Identifiers: MedGen C0011860, MeSH D003924, MONDO:0005148, OMIM 125853, HP:0005978.

Allele frequency attached by ClinVar (database versions not stated): gnomAD 0.00001; TOPMed 0.00002.
gnomAD v4.1: 18 of 1,612,820 alleles (0.0011%); highest among the groups gnomAD compares: Non-Finnish European, 0.0015%; no homozygotes.

Submissions (3):

GeneDx
Classification: Uncertain significance. Last evaluated: 2022-01-07. Review status: criteria provided, single submitter. Criteria: GeneDx Variant Classification Process June 2021. Collection method: clinical testing. Allele origin: germline. Affected: yes.
Comment: Not observed at significant frequency in large population cohorts (gnomAD); In silico analysis supports that this missense variant does not alter protein structure/function; Has not been previously published as pathogenic or benign to our knowledge

Fulgent Genetics
Classification: Uncertain significance for Maturity-onset diabetes of the young type 1; Type 2 diabetes mellitus; Fanconi renotubular syndrome 4 with maturity-onset diabetes of the young. Last evaluated: 2022-01-02. Review status: criteria provided, single submitter. Criteria: ACMG Guidelines, 2015. Collection method: clinical testing. Allele origin: unknown.

Athena Diagnostics
Classification: Uncertain significance. Last evaluated: 2021-12-28. Review status: criteria provided, single submitter. Criteria: Athena Diagnostics Criteria. Collection method: clinical testing. Allele origin: unknown.

NM_175914.5(HNF4A):c.76C>A (p.Leu26Ile)

Gene: HNF4A (hepatocyte nuclear factor 4 alpha; plus strand). Cytogenetic location: 20q13.12.
Variant type: single nucleotide variant.
Coding change: c.76C>A on transcript NM_175914.5 (MANE Select); coding-DNA position 76, C replaced by A.
Protein change: p.Leu26Ile; replaces leucine 26 with isoleucine.
Molecular consequence: missense variant.
Genome position (GRCh38, 1-based): chr20:44,406,084, C>A. VCF-style: chr20-44406084-C-A. GRCh37 (hg19) VCF-style: chr20-43034724-C-A.
Other names: c.142C>A, p.Leu48Ile (NM_000457.6, NM_178849.3, NM_178850.3); c.76C>A, p.Leu26Ile (NM_001030003.3, NM_001030004.3); c.121C>A, p.Leu41Ile (NM_001258355.2); c.67C>A, p.Leu23Ile (NM_001287182.2, NM_001287183.2, NM_001287184.2); c.76C>A (NM_175914.4); short protein forms L23I, L26I, L41I, L48I.
Identifiers: ClinVar variation 1695883 (VCV001695883.3), dbSNP rs753285226, ClinGen allele CA315403984.